The following is an entry in ClinVar:

NM_000092.5(COL4A4):c.4394G>A (p.Gly1465Asp)

Gene: COL4A4 (collagen type IV alpha 4 chain; minus strand). Cytogenetic location: 2q36.3.
Variant type: single nucleotide variant.
Coding change: c.4394G>A on transcript NM_000092.5 (MANE Select); coding-DNA position 4394, G replaced by A.
Protein change: p.Gly1465Asp; replaces glycine 1465 with aspartic acid.
Molecular consequence: missense variant.
Genome position (GRCh38, 1-based): chr2:227,010,441, C>T on the plus strand (G>A on the coding strand, the complement: COL4A4 is on the minus strand). VCF-style: chr2-227010441-C-T. GRCh37 (hg19) VCF-style: chr2-227875157-C-T.
Other names: p.Gly1465Asp; short protein forms G1465D.
Identifiers: ClinVar variation 523324 (VCV000523324.37), dbSNP rs533297350, ClinGen allele CA2144179.

ClinVar aggregate classification (germline): Conflicting classifications of pathogenicity. Review status: criteria provided, conflicting classifications (1 of 4 stars). 19 submissions from 19 submitters: Pathogenic (5); Likely pathogenic (4); Uncertain significance (8). 2 of the submissions do not count toward it. Last evaluated 2026-04-02.

Conditions:
Hematuria, benign familial, 1 (BFH1). Also called: THIN MEMBRANE NEPHROPATHY. Identifiers: MedGen CN376803, MONDO:0007709, OMIM 141200.
Autosomal recessive Alport syndrome (ATS2). Also called: ALPORT SYNDROME 2, AUTOSOMAL RECESSIVE; COL4A4 Alport Syndrome and Thin Basement Membrane Nephropathy; Alport syndrome type 2; COL4A3-Related Nephropathy. Identifiers: Orphanet 63, Orphanet 88919, MedGen C4746745, MONDO:0008762, OMIM 203780.
Alport syndrome. Also called: Hemorrhagic familial nephritis; Hemorrhagic hereditary nephritis; Congenital hereditary hematuria. Identifiers: Orphanet 63, MedGen C1567741, MONDO:0018965.
Benign familial hematuria. Also called: thin basement membrane disease. Identifiers: MedGen C0241908, MONDO:0957317.
Hearing impairment. Also called: Impaired Hearing. Identifiers: MedGen C1384666, MONDO:0005365, HP:0000365.
Proteinuria. Identifiers: MedGen C0033687, MONDO:0003634, HP:0000093.
Hypertensive disorder. Also called: Hypertension. Identifiers: MedGen C0020538, MONDO:0005044, HP:0000822.
Myopia. Also called: Myopia (disease). Identifiers: MedGen C0027092, MONDO:0001384, HP:0000545.
Hematuria. Identifiers: MedGen C0018965, HP:0000790.

Allele frequency attached by ClinVar (database versions not stated): gnomAD 0.00003 and 0.00004; TOPMed 0.00003; gnomAD exomes 0.00004 and 0.00007; ExAC 0.00009.
gnomAD v4.1: 68 of 1,613,458 alleles (0.0042%); highest among the groups gnomAD compares: South Asian, 0.046%; 1 homozygote.

Submissions 1 to 10 of 19:

Genetics Laboratory, Great Ormond Street Hospital NHS Foundation Trust, North Thames Genomic Laboratory Hub
Classification: Uncertain significance for Haematuria. Last evaluated: 2026-04-02. Review status: criteria provided, single submitter. Criteria: ACGS Best Practice Guidelines for Variant Classification in Rare Disease 2024 v1.2. Collection method: clinical testing. Allele origin: germline. Affected: yes.
Comment: PS4_supporting, PP3_supporting, PM1_moderate

Myriad Genetics, Inc.
Classification: Uncertain significance for Alport syndrome. Last evaluated: 2026-02-23. Review status: criteria provided, single submitter. Criteria: Myriad Autosomal Dominant, Autosomal Recessive and X-Linked Classification Criteria (2023). Collection method: clinical testing. Allele origin: unknown.
Comment: NM_000092.4(COL4A4):c.4394G>A(G1465D) is a missense variant classified as a variant of uncertain significance in the context of Alport syndrome, COL4A4-related. G1465D has been observed in cases with relevant disease (PMID: 24033287, 26934356, 28632965, 33048202, 36349757, 37163122). Relevant functional assessments of this variant are not available in the literature. G1465D has been observed in referenced population frequency databases. In summary, there is insufficient evidence to classify NM_000092.4(COL4A4):c.4394G>A(G1465D) as pathogenic or benign. Please note: this variant was assessed in the context of healthy population screening.

Labcorp Genetics (formerly Invitae), Labcorp
Classification: Pathogenic. Last evaluated: 2025-12-01. Review status: criteria provided, single submitter. Criteria: Invitae Variant Classification Sherloc (09022015). Collection method: clinical testing. Allele origin: germline.
Comment: This sequence change replaces glycine, which is neutral and non-polar, with aspartic acid, which is acidic and polar, at codon 1465 of the COL4A4 protein (p.Gly1465Asp). This variant is present in population databases (rs533297350, gnomAD 0.04%). This missense change has been observed in individual(s) with clinical features of autosomal dominant Alport syndrome, autosomal recessive Alport syndrome, and basement membrane disease (PMID: 24033287, 26934356, 28632965, 34584596). It has also been observed to segregate with disease in related individuals. ClinVar contains an entry for this variant (Variation ID: 523324). Invitae Evidence Modeling of protein sequence and biophysical properties (such as structural, functional, and spatial information, amino acid conservation, physicochemical variation, residue mobility, and thermodynamic stability) indicates that this missense variant is expected to disrupt COL4A4 protein function with a positive predictive value of 95%. For these reasons, this variant has been classified as Pathogenic.

Dasa
Classification: Likely pathogenic. Last evaluated: 2025-11-09. Review status: criteria provided, single submitter. Criteria: DASA Assertion Criteria. Collection method: clinical testing. Allele origin: germline.
Comment: NM_000092.5(COL4A4):c.4394G>A (p.Gly1465Asp) is a missense variant that results in the substitution of glycine with aspartic acid. This variant has been recurrently observed in individuals with COL4A4-related disorders (PMID: 34584596; PMID: 28632965). Segregation data support an association with disease in the reported family/families (PMID: 34584596; PMID: 28632965). Also, this variant is rare in population databases. Computational evidence supports a deleterious effect. Based on the currently available evidence, this variant is classified as likely pathogenic.

Women's Health and Genetics/Laboratory Corporation of America, LabCorp
Classification: Pathogenic for Autosomal recessive Alport syndrome. Last evaluated: 2025-11-03. Review status: criteria provided, single submitter. Criteria: LabCorp Variant Classification Summary - May 2015. Collection method: clinical testing. Allele origin: germline.
Comment: Variant summary: COL4A4 c.4394G>A (p.Gly1465Asp) results in a non-conservative amino acid change in the encoded protein sequence. Algorithms developed to predict the effect of missense changes on protein structure and function all suggest that this variant is likely to be disruptive. The variant allele was found at a frequency of 7.2e-05 in 248434 control chromosomes. This frequency is not significantly higher than estimated for disease-causing variants in COL4A4, allowing no conclusion about variant significance. c.4394G>A has been observed in multiple individuals affected with autosomal dominant Alport Syndrome, autosomal recessive Alport Syndrome, and Benign Familial Hematuria (e.g. Fallerini_2014, Kovacs_2016, Papazachariou_2017, Kopadze_2021, Furlano_2021, Mastrangelo_2022, Furlano_2024). Although the variant has been found in cis with the pathogenic variant p.Gly774Arg in many cases, it has been reported in isolation in at least two families where it has been found to segregate with disease in an autosomal dominant manner (Fallerini_2014, Mastrangelo_2022). These data indicate that the variant is very likely to be associated with disease. To our knowledge, no experimental evidence demonstrating an impact on protein function has been reported. The following publications have been ascertained in the context of this evaluation (PMID: 33048202, 24033287, 33838161, 38317457, 34584596, 26934356, 35090027, 28632965). ClinVar contains an entry for this variant (Variation ID: 523324). Based on the evidence outlined above, the variant was classified as pathogenic for Alport Syndrome and Benign Familial Hematuria.

CeGaT Center for Human Genetics Tuebingen
Classification: Uncertain significance. Last evaluated: 2025-06-01. Review status: criteria provided, single submitter. Criteria: CeGaT Center For Human Genetics Tuebingen Variant Classification Criteria Version 2. Collection method: clinical testing. Allele origin: germline. Affected: yes. Observed: 1 variant allele.
Comment: COL4A4: PM2, PS4:Moderate

Blueprint Genetics
Classification: Uncertain significance. Last evaluated: 2024-11-26. Review status: criteria provided, single submitter. Criteria: ACMG Guidelines, 2015. Collection method: clinical testing. Allele origin: germline.

Department of Human Genetics, Hannover Medical School
Classification: Pathogenic for Autosomal recessive Alport syndrome. Last evaluated: 2024-07-25. Review status: criteria provided, single submitter. Criteria: ACMG Guidelines, 2015. Collection method: clinical testing. Allele origin: germline. Affected: yes.

Laboratory of Medical Genetics, National & Kapodistrian University of Athens
Classification: Likely pathogenic for Autosomal recessive Alport syndrome. Last evaluated: 2024-02-01. Review status: criteria provided, single submitter. Criteria: ACMG Guidelines, 2015. Collection method: curation. Allele origin: germline. Affected: no.

3billion
Classification: Pathogenic for Autosomal recessive Alport syndrome. Last evaluated: 2023-09-20. Review status: criteria provided, single submitter. Criteria: ACMG Guidelines, 2015. Collection method: clinical testing. Allele origin: germline. Affected: yes.
Comment: The variant is observed at an extremely low frequency in the gnomAD v2.1.1 dataset (total allele frequency: 0.007%). Predicted Consequence/Location: Missense variant In silico tool predictions suggest damaging effect of the variant on gene or gene product [REVEL: 0.95 (>=0.6, sensitivity 0.68 and specificity 0.92)]. Same nucleotide change resulting in same amino acid change has been previously reported as pathogenic/likely pathogenic with strong evidence (ClinVar ID: VCV000523324 /PMID: 24033287).The variant has been reported to be in trans with a pathogenic variant as either compound heterozygous or homozygous in at least one similarly affected unrelated individual (PMID: 28632965).The variant has been reported to co-segregate with the disease in at least 5 similarly affected relatives/individuals in the same family or similarly affected unrelated family (PMID: 28632965). Therefore, this variant is classified as Pathogenic according to the recommendation of ACMG/AMP guideline.